The following is an entry in ClinVar:

ClinVar aggregate classification (germline): Likely benign. Review status: criteria provided, multiple submitters, no conflicts (2 of 4 stars). 3 submissions from 3 submitters: Likely benign (3). Last evaluated 2025-10-01.

Conditions:
Inborn genetic diseases. Identifiers: MedGen C0950123, MeSH D030342.

Allele frequency attached by ClinVar (database versions not stated): gnomAD 0.00001; gnomAD exomes 0.00001 and 0.00002; TOPMed 0.00001.
gnomAD v4.1: 10 of 1,614,012 alleles (0.00062%); highest among the groups gnomAD compares: Admixed American, 0.0033%; no homozygotes.

Submissions (3):

CeGaT Center for Human Genetics Tuebingen
Classification: Likely benign. Last evaluated: 2025-10-01. Review status: criteria provided, single submitter. Criteria: CeGaT Center For Human Genetics Tuebingen Variant Classification Criteria Version 2. Collection method: clinical testing. Allele origin: germline. Affected: yes. Observed: 1 variant allele.
Comment: ATR: BP4, BP7

Labcorp Genetics (formerly Invitae), Labcorp
Classification: Likely benign. Last evaluated: 2025-07-28. Review status: criteria provided, single submitter. Criteria: Invitae Variant Classification Sherloc (09022015). Collection method: clinical testing. Allele origin: germline.

Ambry Genetics
Classification: Likely benign for Inborn genetic diseases. Last evaluated: 2023-02-23. Review status: criteria provided, single submitter. Criteria: Ambry Variant Classification Scheme 2023. Collection method: clinical testing. Allele origin: germline.

NM_001184.4(ATR):c.2940C>T (p.Asn980=)

Gene: ATR (ATR checkpoint kinase; minus strand). Cytogenetic location: 3q23.
Variant type: single nucleotide variant.
Coding change: c.2940C>T on transcript NM_001184.4 (MANE Select); coding-DNA position 2940, C replaced by T.
Protein change: p.Asn980=; no amino-acid change (asparagine 980 retained).
Molecular consequence: synonymous variant.
Genome position (GRCh38, 1-based): chr3:142,550,168, G>A on the plus strand (C>T on the coding strand, the complement: ATR is on the minus strand). VCF-style: chr3-142550168-G-A. GRCh37 (hg19) VCF-style: chr3-142269010-G-A.
Other names: c.2748C>T, p.Asn916= (NM_001354579.2); c.2940C>T (NM_001184.3).
Identifiers: ClinVar variation 1667334 (VCV001667334.15), dbSNP rs1344689716, ClinGen allele CA436125572.
Genomic context (GRCh38, chr3:142,550,168, plus strand): 5'-AGTGAACTATATGTTGCAACTTACAGTAAGAAAACGATTAAGATCAGGAAAGTCGAAAAC[G>A]TTGGCAATTTCAGACAACGTATTTAAAGCCATTTCTCTCTGGTGAGCCACATCTTGTTTT-3'
Protein context (NP_001175.2, residues 970-990): MALNTLSEIA[Asn980=]VFDFPDLNRF